The following is an entry in ClinVar:

NC_000011.9:g.(?_68685184)_(68685371_?)dup

Gene: IGHMBP2 (immunoglobulin mu DNA binding protein 2; plus strand). Cytogenetic location: 11q13.3.
Variant type: Duplication.
Identifiers: ClinVar variation 3244647 (VCV003244647.1).

ClinVar aggregate classification (germline): Likely pathogenic (1 of 4 stars; one submission).

Conditions:
Autosomal recessive distal spinal muscular atrophy 1. Also called: HMN VI; NEURONOPATHY, SEVERE INFANTILE AXONAL, WITH RESPIRATORY FAILURE; SEVERE INFANTILE AXONAL NEUROPATHY WITH RESPIRATORY FAILURE; SPINAL MUSCULAR ATROPHY, DIAPHRAGMATIC; Spinal muscular atrophy with respiratory distress 1; NEURONOPATHY, DISTAL HEREDITARY MOTOR, HARDING TYPE VI. Identifiers: Orphanet 98920, MedGen C1858517, MONDO:0011436, OMIM 604320.
Charcot-Marie-Tooth disease axonal type 2S. Also called: CHARCOT-MARIE-TOOTH DISEASE, AXONAL, AUTOSOMAL RECESSIVE, TYPE 2S; CHARCOT-MARIE-TOOTH NEUROPATHY, TYPE 2S. Identifiers: Orphanet 443073, MedGen C4015349, MONDO:0014511, OMIM 616155.

Submission:

Labcorp Genetics (formerly Invitae), Labcorp
Classification: Likely pathogenic for Autosomal recessive distal spinal muscular atrophy 1; Charcot-Marie-Tooth disease axonal type 2S. Last evaluated: 2023-09-21. Review status: criteria provided, single submitter. Criteria: Invitae Variant Classification Sherloc (09022015). Collection method: clinical testing. Allele origin: unknown.
Comment: This variant results in a copy number gain of the genomic region encompassing exon(s) 7 of the IGHMBP2 gene. While the exact position of this variant cannot be determined from the data, sub-genic copy number gains are generally in tandem (PMID: 25640679). This variant is predicted to be out-of-frame, and may result in an absent or disrupted protein product. Loss-of-function variants in IGHMBP2 are known to be pathogenic (PMID: 14681881, 25439726, 25568292). This variant has not been reported in the literature in individuals affected with IGHMBP2-related conditions. In summary, the currently available evidence indicates that the variant is pathogenic, but additional data are needed to prove that conclusively. Therefore, this variant has been classified as Likely Pathogenic.

Literature cited by the submitters: PubMed 25640679; PubMed 14681881; PubMed 25439726; PubMed 25568292.